The following is an entry in ClinVar:

NM_000642.3(AGL):c.4181C>T (p.Thr1394Ile)

Gene: AGL (amylo-alpha-1,6-glucosidase and 4-alpha-glucanotransferase; plus strand). Cytogenetic location: 1p21.2.
Variant type: single nucleotide variant.
Coding change: c.4181C>T on transcript NM_000642.3 (MANE Select); coding-DNA position 4181, C replaced by T.
Protein change: p.Thr1394Ile; replaces threonine 1394 with isoleucine.
Molecular consequence: missense variant.
Genome position (GRCh38, 1-based): chr1:99,915,408, C>T. VCF-style: chr1-99915408-C-T. GRCh37 (hg19) VCF-style: chr1-100380964-C-T.
Other names: c.3842C>T, p.Thr1281Ile (NM_001425329.1); c.3803C>T, p.Thr1268Ile (NM_001425332.1); c.4181C>T, p.Thr1394Ile (NM_000028.3, NM_000643.3, NM_000644.3 and 1 more transcripts); c.4133C>T, p.Thr1378Ile (NM_000646.3); c.4160C>T, p.Thr1387Ile (NM_001425326.1); c.3980C>T, p.Thr1327Ile (NM_001425327.1); c.3977C>T, p.Thr1326Ile (NM_001425328.1); short protein forms T1378I, T1394I, T1268I, T1281I, T1326I, T1327I, T1387I.
Identifiers: ClinVar variation 2141494 (VCV002141494.1), dbSNP rs746219796, ClinGen allele CA341340900.

ClinVar aggregate classification (germline): Uncertain significance (1 of 4 stars; one submission).

Conditions:
Glycogen storage disease type III (GSD3). Also called: Cori disease; FORBES DISEASE. Identifiers: Orphanet 366, MedGen C0017922, MONDO:0009291, OMIM 232400.

Allele frequency attached by ClinVar (database versions not stated): TOPMed below 0.00001.

Submission:

Labcorp Genetics (formerly Invitae), Labcorp
Classification: Uncertain significance for Glycogen storage disease type III. Last evaluated: 2022-06-28. Review status: criteria provided, single submitter. Criteria: Invitae Variant Classification Sherloc (09022015). Collection method: clinical testing. Allele origin: germline.
Comment: This sequence change replaces threonine, which is neutral and polar, with isoleucine, which is neutral and non-polar, at codon 1394 of the AGL protein (p.Thr1394Ile). This variant is not present in population databases (gnomAD no frequency). This variant has not been reported in the literature in individuals affected with AGL-related conditions. Algorithms developed to predict the effect of missense changes on protein structure and function (SIFT, PolyPhen-2, Align-GVGD) all suggest that this variant is likely to be tolerated. In summary, the available evidence is currently insufficient to determine the role of this variant in disease. Therefore, it has been classified as a Variant of Uncertain Significance.